The following is an entry in ClinVar:

NM_181426.2(CCDC39):c.893A>G (p.Gln298Arg)

Gene: CCDC39 (coiled-coil domain 39 molecular ruler complex subunit; minus strand). Cytogenetic location: 3q26.33.
Variant type: single nucleotide variant.
Coding change: c.893A>G on transcript NM_181426.2 (MANE Select); coding-DNA position 893, A replaced by G.
Protein change: p.Gln298Arg; replaces glutamine 298 with arginine.
Molecular consequence: missense variant.
Genome position (GRCh38, 1-based): chr3:180,654,799, T>C on the plus strand (A>G on the coding strand, the complement: CCDC39 is on the minus strand). VCF-style: chr3-180654799-T-C. GRCh37 (hg19) VCF-style: chr3-180372587-T-C.
Other names: short protein forms Q298R.
Identifiers: ClinVar variation 4629919 (VCV004629919.1).
Genomic context (GRCh38, chr3:180,654,799, plus strand): 5'-CAGTCTTTTTTGAGTTGACATACCTCACCCTTCAGCTGAATTCTACTAGTTTCATGGTCC[T>C]GATATGCCGTTCTACATTTTAAAAGTTTACGATCAGCCACAGAAATTCTTTTCTCAAACT-3'
Protein context (NP_852091.1, residues 288-308): RKLLKCRTAY[Gln298Arg]DHETSRIQLK

ClinVar aggregate classification (germline): Uncertain significance (1 of 4 stars; one submission).

Conditions:
Primary ciliary dyskinesia. Also called: Ciliary dyskinesia. Identifiers: Orphanet 244, MedGen C0008780, MONDO:0016575, HP:0012265.

Submission:

Ambry Genetics
Classification: Uncertain significance for Primary ciliary dyskinesia. Last evaluated: 2025-11-18. Review status: criteria provided, single submitter. Criteria: Ambry Variant Classification Scheme 2023. Collection method: clinical testing. Allele origin: germline.
Comment: The p.Q298R variant (also known as c.893A>G), located in coding exon 7 of the CCDC39 gene, results from an A to G substitution at nucleotide position 893. The glutamine at codon 298 is replaced by arginine, an amino acid with highly similar properties. This amino acid position is conserved. In addition, this alteration is predicted to be tolerated by in silico analysis. Based on the available evidence, the clinical significance of this variant remains unclear.